The following is an entry in ClinVar:

NM_019842.4(KCNQ5):c.2377G>T (p.Val793Phe)

Gene: KCNQ5 (potassium voltage-gated channel subfamily Q member 5; plus strand). Cytogenetic location: 6q13.
Variant type: single nucleotide variant.
Coding change: c.2377G>T on transcript NM_019842.4 (MANE Select); coding-DNA position 2377, G replaced by T.
Protein change: p.Val793Phe; replaces valine 793 with phenylalanine.
Molecular consequence: missense variant.
Genome position (GRCh38, 1-based): chr6:73,194,992, G>T. VCF-style: chr6-73194992-G-T. GRCh37 (hg19) VCF-style: chr6-73904715-G-T.
Other names: c.2350G>T, p.Val784Phe (NM_001160130.2); c.2407G>T, p.Val803Phe (NM_001160132.2); c.2434G>T, p.Val812Phe (NM_001160133.2); c.2047G>T, p.Val683Phe (NM_001160134.2); short protein forms V683F, V784F, V793F, V803F, V812F.
Identifiers: ClinVar variation 5017767 (VCV005017767.1).

ClinVar aggregate classification (germline): Uncertain significance (1 of 4 stars; one submission).

gnomAD v4.1: 2 of 1,614,064 alleles (0.00012%); highest among the groups gnomAD compares: African/African-American, 0.0013%; no homozygotes.

Submission:

GeneDx
Classification: Uncertain significance. Last evaluated: 2026-04-06. Review status: criteria provided, single submitter. Criteria: GeneDx Variant Classification Process June 2021. Collection method: clinical testing. Allele origin: germline.
Comment: Not observed at significant frequency in large population cohorts (gnomAD); In silico analysis suggests that this missense variant does not alter protein structure/function; Has not been previously published as pathogenic or benign to our knowledge